The following is an entry in ClinVar:

NM_016816.4(OAS1):c.884+10C>T

Gene: OAS1 (2'-5'-oligoadenylate synthetase 1; plus strand). Cytogenetic location: 12q24.13.
Variant type: single nucleotide variant.
Coding change: c.884+10C>T on transcript NM_016816.4 (MANE Select); 10 bases into the intron after coding-DNA position 884, C replaced by T.
Molecular consequence: intron variant.
Genome position (GRCh38, 1-based): chr12:112,916,748, C>T. VCF-style: chr12-112916748-C-T. GRCh37 (hg19) VCF-style: chr12-113354553-C-T.
Other names: c.884+10C>T (NM_001320151.2, NM_001032409.3, NM_002534.4 and 1 more transcripts).
Identifiers: ClinVar variation 1165529 (VCV001165529.13), dbSNP rs143035510, ClinGen allele CA6799907.

ClinVar aggregate classification (germline): Benign/Likely benign. Review status: criteria provided, multiple submitters, no conflicts (2 of 4 stars). 4 submissions from 4 submitters: Benign (2); Likely benign (1). 1 of the submissions does not count toward it. Last evaluated 2026-04-20.

Conditions:
OAS1-related disorder. Also called: OAS1-related condition.

Allele frequency attached by ClinVar (database versions not stated): gnomAD 0.00243 and 0.00249; 1000 Genomes Project 30x 0.00250; ESP Exome Variant Server 0.00254; 1000 Genomes Project 0.00260; TOPMed 0.00261.
gnomAD v4.1: 786 of 1,589,810 alleles (0.049%); highest among the groups gnomAD compares: African/African-American, 0.83%; 4 homozygotes.

Submissions (4):

Women's Health and Genetics/Laboratory Corporation of America, LabCorp
Classification: Benign. Last evaluated: 2026-04-20. Review status: criteria provided, single submitter. Criteria: LabCorp Variant Classification Summary - May 2015. Collection method: clinical testing. Allele origin: germline.

Labcorp Genetics (formerly Invitae), Labcorp
Classification: Benign. Last evaluated: 2026-01-25. Review status: criteria provided, single submitter. Criteria: Invitae Variant Classification Sherloc (09022015). Collection method: clinical testing. Allele origin: germline.

Blueprint Genetics
Classification: Likely benign. Last evaluated: 2024-11-11. Review status: criteria provided, single submitter. Criteria: ACMG Guidelines, 2015. Collection method: clinical testing. Allele origin: germline.

PreventionGenetics, part of Exact Sciences
Classification: Likely benign for OAS1-related condition. Last evaluated: 2024-02-20. Review status: no assertion criteria provided. Collection method: clinical testing. Allele origin: germline. Not counted in ClinVar's aggregate classification.
Comment: This variant is classified as likely benign based on ACMG/AMP sequence variant interpretation guidelines (Richards et al. 2015 PMID: 25741868, with internal and published modifications).